The following is an entry in ClinVar:

ClinVar aggregate classification (germline): Uncertain significance (1 of 4 stars; one submission).

Conditions:
Multiple congenital anomalies-neurodevelopmental syndrome, X-linked. Also called: LINKED SYNDROME. Identifiers: MedGen C5542341, MONDO:0025351, OMIM 301056.

Submission:

MVZ Medizinische Genetik Mainz
Classification: Uncertain significance for Multiple congenital anomalies-neurodevelopmental syndrome, X-linked. Last evaluated: 2022-06-07. Review status: criteria provided, single submitter. Criteria: UK Practice Guidelines For Variant Classification V4 01 2020. Collection method: clinical testing. Allele origin: germline. Inheritance: X-linked dominant inheritance. Affected: yes. Observed: 1 variant allele.
Comment: ACMG Criteria: PP2, PM2, PP3

NM_001136157.2(OTUD5):c.1121A>G (p.Gln374Arg)

Gene: OTUD5 (OTU deubiquitinase 5; minus strand). Cytogenetic location: Xp11.23.
Variant type: single nucleotide variant.
Coding change: c.1121A>G on transcript NM_001136157.2 (MANE Select); coding-DNA position 1121, A replaced by G.
Protein change: p.Gln374Arg; replaces glutamine 374 with arginine.
Molecular consequence: missense variant.
Genome position (GRCh38, 1-based): chrX:48,925,989, T>C on the plus strand (A>G on the coding strand, the complement: OTUD5 is on the minus strand). VCF-style: chrX-48925989-T-C. GRCh37 (hg19) VCF-style: chrX-48783265-T-C.
Other names: c.1121A>G, p.Gln374Arg (NM_001136158.2); c.470A>G, p.Gln157Arg (NM_001136159.2); c.1136A>G, p.Gln379Arg (NM_017602.4); short protein forms Q157R, Q374R, Q379R.
Identifiers: ClinVar variation 3066319 (VCV003066319.1), dbSNP rs2519728586, ClinGen allele CA412908818.